The following is an entry in ClinVar:

NM_004370.6(COL12A1):c.2494T>A (p.Leu832Ile)

Gene: COL12A1 (collagen type XII alpha 1 chain; minus strand). Cytogenetic location: 6q13.
Variant type: single nucleotide variant.
Coding change: c.2494T>A on transcript NM_004370.6 (MANE Select); coding-DNA position 2494, T replaced by A.
Protein change: p.Leu832Ile; replaces leucine 832 with isoleucine.
Molecular consequence: missense variant. On other transcripts: intron variant (1).
Genome position (GRCh38, 1-based): chr6:75,175,254, A>T on the plus strand (T>A on the coding strand, the complement: COL12A1 is on the minus strand). VCF-style: chr6-75175254-A-T. GRCh37 (hg19) VCF-style: chr6-75884970-A-T.
Other names: c.74-22772T>A (NM_080645.3); short protein forms L832I.
Identifiers: ClinVar variation 2010530 (VCV002010530.4), dbSNP rs2533518196, ClinGen allele CA364762493.
Genomic context (GRCh38, chr6:75,175,254, plus strand): 5'-CCACTGGGGTATATGTGACGAGATACTGTTTCACTTTTCCTGGTGCCCCACTCCAAGATA[A>T]TTTCATAGTAGACGTCGTAGGGTCAGAAACTCTTAAGTCTCTTGGATTCCCTCTAACTTC-3'
Protein context (NP_004361.3, residues 822-842): VSDPTTSTMK[Leu832Ile]SWSGAPGKVK

ClinVar aggregate classification (germline): Uncertain significance (1 of 4 stars; one submission).

Conditions:
Ullrich congenital muscular dystrophy 2 (UCMD2). Identifiers: Orphanet 75840, MedGen C4225314, MONDO:0014654, OMIM 616470.
Bethlem myopathy 2 (BTHLM2). Identifiers: Orphanet 536516, Orphanet 610, MedGen C4225313, MONDO:0034022, OMIM 616471.

Submission:

Labcorp Genetics (formerly Invitae), Labcorp
Classification: Uncertain significance for Bethlem myopathy 2; Ullrich congenital muscular dystrophy 2. Last evaluated: 2022-06-25. Review status: criteria provided, single submitter. Criteria: Invitae Variant Classification Sherloc (09022015). Collection method: clinical testing. Allele origin: germline.
Comment: In summary, the available evidence is currently insufficient to determine the role of this variant in disease. Therefore, it has been classified as a Variant of Uncertain Significance. Algorithms developed to predict the effect of missense changes on protein structure and function are either unavailable or do not agree on the potential impact of this missense change (SIFT: "Deleterious"; PolyPhen-2: "Probably Damaging"; Align-GVGD: "Class C0"). This variant has not been reported in the literature in individuals affected with COL12A1-related conditions. This variant is not present in population databases (gnomAD no frequency). This sequence change replaces leucine, which is neutral and non-polar, with isoleucine, which is neutral and non-polar, at codon 832 of the COL12A1 protein (p.Leu832Ile).